The following is an entry in ClinVar:

NM_001008537.3(NEXMIF):c.3430G>A (p.Glu1144Lys)

Gene: NEXMIF (neurite extension and migration factor; minus strand). Cytogenetic location: Xq13.3.
Variant type: single nucleotide variant.
Coding change: c.3430G>A on transcript NM_001008537.3 (MANE Select); coding-DNA position 3430, G replaced by A.
Protein change: p.Glu1144Lys; replaces glutamic acid 1144 with lysine.
Molecular consequence: missense variant.
Genome position (GRCh38, 1-based): chrX:74,741,127, C>T on the plus strand (G>A on the coding strand, the complement: NEXMIF is on the minus strand). VCF-style: chrX-74741127-C-T. GRCh37 (hg19) VCF-style: chrX-73960962-C-T.
Other names: c.3430G>A (NM_001008537.2); short protein forms E1144K.
Identifiers: ClinVar variation 1419407 (VCV001419407.6), dbSNP rs1166467730, ClinGen allele CA413665961.

ClinVar aggregate classification (germline): Uncertain significance. Review status: criteria provided, multiple submitters, no conflicts (2 of 4 stars). 2 submissions from 2 submitters: Uncertain significance (2). Last evaluated 2025-03-10.

Allele frequency attached by ClinVar (database versions not stated): gnomAD 0.00001; gnomAD exomes 0.00001; TOPMed 0.00002.
gnomAD v4.1: 8 of 1,208,593 alleles (0.00066%); highest among the groups gnomAD compares: Non-Finnish European, 0.00089%; no homozygotes.

Submissions (2):

Ambry Genetics
Classification: Uncertain significance. Last evaluated: 2025-03-10. Review status: criteria provided, single submitter. Criteria: Ambry Variant Classification Scheme 2023. Collection method: clinical testing. Allele origin: germline.

Labcorp Genetics (formerly Invitae), Labcorp
Classification: Uncertain significance. Last evaluated: 2021-08-30. Review status: criteria provided, single submitter. Criteria: Invitae Variant Classification Sherloc (09022015). Collection method: clinical testing. Allele origin: germline.
Comment: This sequence change replaces glutamic acid with lysine at codon 1144 of the NEXMIF protein (p.Glu1144Lys). The glutamic acid residue is highly conserved and there is a small physicochemical difference between glutamic acid and lysine. This variant is not present in population databases (ExAC no frequency). This variant has not been reported in the literature in individuals affected with NEXMIF-related conditions. Algorithms developed to predict the effect of missense changes on protein structure and function are either unavailable or do not agree on the potential impact of this missense change (SIFT: "Deleterious"; PolyPhen-2: "Benign"; Align-GVGD: "Class C0"). In summary, the available evidence is currently insufficient to determine the role of this variant in disease. Therefore, it has been classified as a Variant of Uncertain Significance.